The following is an entry in ClinVar:

ClinVar aggregate classification (germline): Likely benign. Review status: criteria provided, multiple submitters, no conflicts (2 of 4 stars). 3 submissions from 3 submitters: Likely benign (3). Last evaluated 2025-05-20.

Conditions:
GPR179-related disorder. Also called: GPR179-related condition.

Allele frequency attached by ClinVar (database versions not stated): gnomAD 0.00001; gnomAD exomes 0.00002; TOPMed 0.00002; ExAC 0.00004; 1000 Genomes Project 30x 0.00031.
gnomAD v4.1: 28 of 1,614,156 alleles (0.0017%); highest among the groups gnomAD compares: East Asian, 0.062%; no homozygotes.

Submissions (3):

PreventionGenetics, part of Exact Sciences
Classification: Likely benign for GPR179-related condition. Last evaluated: 2025-05-20. Review status: criteria provided, single submitter. Criteria: ACMG Guidelines, 2015. Collection method: clinical testing. Allele origin: germline.
Comment: This variant is classified as likely benign based on ACMG/AMP sequence variant interpretation guidelines (Richards et al. 2015 PMID: 25741868, with internal and published modifications).

Labcorp Genetics (formerly Invitae), Labcorp
Classification: Likely benign. Last evaluated: 2024-12-05. Review status: criteria provided, single submitter. Criteria: Invitae Variant Classification Sherloc (09022015). Collection method: clinical testing. Allele origin: germline.

Blueprint Genetics
Classification: Likely benign. Last evaluated: 2021-11-29. Review status: criteria provided, single submitter. Criteria: ACMG Guidelines, 2015. Collection method: clinical testing. Allele origin: germline.

NM_001004334.4(GPR179):c.6885C>G (p.Pro2295=)

Gene: GPR179 (G protein-coupled receptor 179; minus strand). Cytogenetic location: 17q12.
Variant type: single nucleotide variant.
Coding change: c.6885C>G on transcript NM_001004334.4 (MANE Select); coding-DNA position 6885, C replaced by G.
Protein change: p.Pro2295=; no amino-acid change (proline 2295 retained).
Molecular consequence: synonymous variant.
Genome position (GRCh38, 1-based): chr17:38,326,684, G>C on the plus strand (C>G on the coding strand, the complement: GPR179 is on the minus strand). VCF-style: chr17-38326684-G-C. GRCh37 (hg19) VCF-style: chr17-36482567-G-C.
Other names: c.6885C>G (NM_001004334.3).
Identifiers: ClinVar variation 1989179 (VCV001989179.6), dbSNP rs756747351, ClinGen allele CA290102757.